The following is an entry in ClinVar:

ClinVar aggregate classification (germline): Benign/Likely benign. Review status: criteria provided, multiple submitters, no conflicts (2 of 4 stars). 19 submissions from 19 submitters: Benign (8); Likely benign (9). 2 of the submissions do not count toward it. Last evaluated 2026-08-01.

Conditions:
Hereditary nonpolyposis colon cancer (HNPCC). Also called: Hereditary Nonpolyposis Colorectal Cancer Syndrome; Hereditary nonpolyposis colorectal cancer; Familial nonpolyposis colon cancer. Identifiers: Orphanet 443909, MedGen C1333990, MONDO:0018630. Disease mechanism: loss of function.
Hereditary cancer-predisposing syndrome. Also called: Hereditary neoplastic syndrome; Hereditary Cancer Syndrome; Neoplastic Syndromes, Hereditary; Tumor predisposition. Identifiers: Orphanet 140162, MedGen C0027672, MeSH D009386, MONDO:0015356.
Multiple endocrine neoplasia type 4. Also called: MULTIPLE ENDOCRINE NEOPLASIA, TYPE IV. Identifiers: Orphanet 276152, MedGen C1970712, MONDO:0012552, OMIM 610755.

Allele frequency attached by ClinVar (database versions not stated): 1000 Genomes Project 0.00140; 1000 Genomes Project 30x 0.00141; ExAC 0.00320; gnomAD 0.00353 and 0.00366; TOPMed 0.00395; ESP Exome Variant Server 0.00477.

Submissions (19):

CeGaT Center for Human Genetics Tuebingen
Classification: Likely benign. Last evaluated: 2026-08-01. Review status: criteria provided, single submitter. Criteria: CeGaT Center For Human Genetics Tuebingen Variant Classification Criteria Version 2. Collection method: clinical testing. Allele origin: germline. Affected: yes. Observed: 59 variant alleles.
Comment: CDKN1B: BP4, BP7, BS2

Labcorp Genetics (formerly Invitae), Labcorp
Classification: Benign for Multiple endocrine neoplasia type 4. Last evaluated: 2026-02-03. Review status: criteria provided, single submitter. Criteria: Invitae Variant Classification Sherloc (09022015). Collection method: clinical testing. Allele origin: germline.

Mayo Clinic Laboratories, Mayo Clinic
Classification: Likely benign. Last evaluated: 2025-09-04. Review status: criteria provided, single submitter. Criteria: ACMG Guidelines, 2015. Collection method: clinical testing. Allele origin: germline. Observed: 9 variant alleles.
Comment: BS1, BP4, BP7

ARUP Laboratories, Molecular Genetics and Genomics, ARUP Laboratories
Classification: Benign for Multiple endocrine neoplasia type 4. Last evaluated: 2025-07-09. Review status: criteria provided, single submitter. Criteria: ARUP Molecular Germline Variant Investigation Process 2024. Collection method: clinical testing. Allele origin: germline.

Quest Diagnostics Nichols Institute San Juan Capistrano
Classification: Benign. Last evaluated: 2025-06-18. Review status: criteria provided, single submitter. Criteria: Quest Diagnostics criteria. Collection method: clinical testing. Allele origin: unknown.

Center for Genomic Medicine, Rigshospitalet, Copenhagen University Hospital
Classification: Likely benign. Last evaluated: 2025-03-04. Review status: criteria provided, single submitter. Criteria: ACMG Guidelines, 2015. Collection method: clinical testing. Allele origin: germline.

Blueprint Genetics
Classification: Likely benign. Last evaluated: 2024-11-26. Review status: criteria provided, single submitter. Criteria: ACMG Guidelines, 2015. Collection method: clinical testing. Allele origin: germline.

KCCC/NGS Laboratory, Kuwait Cancer Control Center
Classification: Benign for Multiple endocrine neoplasia type 4. Last evaluated: 2023-07-07. Review status: criteria provided, single submitter. Criteria: ACMG Guidelines, 2015. Collection method: clinical testing. Allele origin: germline. Affected: yes.

Department of Pathology and Laboratory Medicine, Sinai Health System
Classification: Benign for hereditary nonpolyposis colon cancer. Last evaluated: 2023-06-05. Review status: criteria provided, single submitter. Criteria: ACMG Guidelines, 2015. Collection method: clinical testing. Allele origin: germline. Affected: yes.

Fulgent Genetics
Classification: Likely benign for Multiple endocrine neoplasia type 4. Last evaluated: 2021-09-15. Review status: criteria provided, single submitter. Criteria: ACMG Guidelines, 2015. Collection method: clinical testing. Allele origin: unknown.

Eurofins Ntd Llc (ga)
Classification: Benign. Last evaluated: 2018-03-19. Review status: criteria provided, single submitter. Criteria: EGL ClinVar v180209 classification definitions. Collection method: clinical testing. Allele origin: germline. Observed: 1 variant allele, 1 heterozygote.

Illumina Laboratory Services, Illumina
Classification: Benign for Multiple endocrine neoplasia type 4. Last evaluated: 2018-01-12. Review status: criteria provided, single submitter. Criteria: ICSL Variant Classification Criteria 13 December 2019. Collection method: clinical testing. Allele origin: germline.
Comment: This variant was observed in the ICSL laboratory as part of a predisposition screen in an ostensibly healthy population. It had not been previously curated by ICSL or reported in the Human Gene Mutation Database (HGMD: prior to June 1st, 2018), and was therefore a candidate for classification through an automated scoring system. Utilizing variant allele frequency, disease prevalence and penetrance estimates, and inheritance mode, an automated score was calculated to assess if this variant is too frequent to cause the disease. Based on the score and internal cut-off values, a variant classified as benign is not then subjected to further curation. The score for this variant resulted in a classification of benign for this disease.

Ambry Genetics
Classification: Likely benign for Hereditary cancer-predisposing syndrome. Last evaluated: 2017-01-06. Review status: criteria provided, single submitter. Criteria: Ambry Variant Classification Scheme 2023. Collection method: clinical testing. Allele origin: germline.

Genetic Services Laboratory, University of Chicago
Classification: Likely benign. Last evaluated: 2016-11-07. Review status: criteria provided, single submitter. Criteria: ACMG Guidelines, 2015. Collection method: clinical testing. Allele origin: germline. Affected: no.

Genome Diagnostics Laboratory, University Medical Center Utrecht
Classification: Likely benign for Multiple endocrine neoplasia type 4. Last evaluated: 2014-10-10. Review status: criteria provided, single submitter. Criteria: ACGS Guidelines, 2013. Collection method: clinical testing. Allele origin: germline. Affected: yes. Study: VKGL Data-share Consensus.

Breakthrough Genomics
Classification: Likely benign. Review status: criteria provided, single submitter. Criteria: ACMG Guidelines, 2015. Collection method: not provided. Allele origin: germline. Inheritance: Autosomal dominant inheritance. Affected: yes.

PreventionGenetics, part of Exact Sciences
Classification: Benign. Review status: criteria provided, single submitter. Criteria: ACMG Guidelines, 2015. Collection method: clinical testing. Allele origin: germline.

Genome Diagnostics Laboratory, Amsterdam University Medical Center
Classification: Likely benign for Multiple endocrine neoplasia type 4. Last evaluated: 2016-07-13. Review status: no assertion criteria provided. Criteria: ACGS Guidelines, 2013. Collection method: clinical testing. Allele origin: germline. Affected: yes. Study: VKGL Data-share Consensus. Not counted in ClinVar's aggregate classification.

Diagnostic Laboratory, Department of Genetics, University Medical Center Groningen
Classification: Likely benign for Multiple endocrine neoplasia type 4. Review status: no assertion criteria provided. Collection method: clinical testing. Allele origin: germline. Affected: yes. Study: VKGL Data-share Consensus. Not counted in ClinVar's aggregate classification.

Literature cited by the submitters: PubMed 22291433 (cited by Quest Diagnostics Nichols Institute San Juan Capistrano); PubMed 17519308 (cited by Quest Diagnostics Nichols Institute San Juan Capistrano).

NM_004064.5(CDKN1B):c.426G>A (p.Thr142=)

Gene: CDKN1B (cyclin dependent kinase inhibitor 1B; plus strand). Cytogenetic location: 12p13.1.
Variant type: single nucleotide variant.
Coding change: c.426G>A on transcript NM_004064.5 (MANE Select); coding-DNA position 426, G replaced by A.
Protein change: p.Thr142=; no amino-acid change (threonine 142 retained).
Molecular consequence: synonymous variant.
Genome position (GRCh38, 1-based): chr12:12,718,265, G>A. VCF-style: chr12-12718265-G-A. GRCh37 (hg19) VCF-style: chr12-12871199-G-A.
Other names: p.Thr142=.
Identifiers: ClinVar variation 239622 (VCV000239622.87), dbSNP rs149775942, ClinGen allele CA6457495.